The following is an entry in ClinVar:

NM_000532.5(PCCB):c.1447C>G (p.Gln483Glu)

Gene: PCCB (propionyl-CoA carboxylase subunit beta; plus strand). Cytogenetic location: 3q22.3.
Variant type: single nucleotide variant.
Coding change: c.1447C>G on transcript NM_000532.5 (MANE Select); coding-DNA position 1447, C replaced by G.
Protein change: p.Gln483Glu; replaces glutamine 483 with glutamic acid.
Molecular consequence: missense variant.
Genome position (GRCh38, 1-based): chr3:136,328,806, C>G. VCF-style: chr3-136328806-C-G. GRCh37 (hg19) VCF-style: chr3-136047648-C-G.
Other names: c.1507C>G, p.Gln503Glu (NM_001178014.2); short protein forms Q483E, Q503E.
Identifiers: ClinVar variation 4861638 (VCV004861638.1).

ClinVar aggregate classification (germline): Uncertain significance (1 of 4 stars; one submission).

Conditions:
Inborn genetic diseases. Identifiers: MedGen C0950123, MeSH D030342.

gnomAD v4.1: 50 of 1,614,070 alleles (0.0031%); highest among the groups gnomAD compares: Non-Finnish European, 0.004%; no homozygotes.

Submission:

Ambry Genetics
Classification: Uncertain significance for Inborn genetic diseases. Last evaluated: 2026-04-30. Review status: criteria provided, single submitter. Criteria: Ambry Variant Classification Scheme 2023. Collection method: clinical testing. Allele origin: germline.
Comment: The c.1447C>G (p.Q483E) alteration is located in exon 14 (coding exon 14) of the PCCB gene. This alteration results from a C to G substitution at nucleotide position 1447, causing the glutamine (Q) at amino acid position 483 to be replaced by a glutamic acid (E). Based on data from gnomAD, the G allele has an overall frequency of 0.002% (5/282610) total alleles studied. The highest observed frequency was 0.004% (5/128940) of European (non-Finnish) alleles. Based on insufficient or conflicting evidence, the clinical significance of this alteration remains unclear.